The following is an entry in ClinVar:

NM_001206927.2(DNAH8):c.11076C>T (p.Gly3692=)

Genes: DNAH8 (dynein axonemal heavy chain 8; plus strand), DNAH8-AS1 (DNAH8 antisense RNA 1; minus strand). Cytogenetic location: 6p21.2.
Variant type: single nucleotide variant.
Coding change: c.11076C>T on transcript NM_001206927.2 (MANE Select); coding-DNA position 11076, C replaced by T.
Protein change: p.Gly3692=; no amino-acid change (glycine 3692 retained).
Molecular consequence: synonymous variant.
Genome position (GRCh38, 1-based): chr6:38,926,168, C>T. VCF-style: chr6-38926168-C-T. GRCh37 (hg19) VCF-style: chr6-38893944-C-T.
Other names: c.10425C>T, p.Gly3475= (NM_001371.4).
Identifiers: ClinVar variation 2002873 (VCV002002873.4), dbSNP rs1323074664, ClinGen allele CA450018431.

ClinVar aggregate classification (germline): Uncertain significance (1 of 4 stars; one submission).

Conditions:
Primary ciliary dyskinesia. Also called: Ciliary dyskinesia. Identifiers: Orphanet 244, MedGen C0008780, MONDO:0016575, HP:0012265.

Allele frequency attached by ClinVar (database versions not stated): gnomAD exomes below 0.00001.
gnomAD v4.1: 1 of 1,613,552 alleles (0.000062%); highest among the groups gnomAD compares: Non-Finnish European, 0.000085%; no homozygotes.

Submission:

Labcorp Genetics (formerly Invitae), Labcorp
Classification: Uncertain significance for Primary ciliary dyskinesia. Last evaluated: 2025-01-06. Review status: criteria provided, single submitter. Criteria: Invitae Variant Classification Sherloc (09022015). Collection method: clinical testing. Allele origin: germline.
Comment: This sequence change affects codon 3692 of the DNAH8 mRNA. It is a 'silent' change, meaning that it does not change the encoded amino acid sequence of the DNAH8 protein. This variant is not present in population databases (gnomAD no frequency). This variant has not been reported in the literature in individuals affected with DNAH8-related conditions. ClinVar contains an entry for this variant (Variation ID: 2002873). Algorithms developed to predict the effect of sequence changes on RNA splicing suggest that this variant may disrupt the consensus splice site. In summary, the available evidence is currently insufficient to determine the role of this variant in disease. Therefore, it has been classified as a Variant of Uncertain Significance.